The following is an entry in ClinVar:

ClinVar aggregate classification (germline): Conflicting classifications of pathogenicity. Review status: criteria provided, conflicting classifications (1 of 4 stars). 3 submissions from 3 submitters: Uncertain significance (2); Likely benign (1). Last evaluated 2026-08-17.

Conditions:
Nemaline myopathy 2 (NEM2). Also called: Nemaline myopathy 2, autosomal recessive. Identifiers: MedGen C1850569, MONDO:0009725, OMIM 256030.
Inborn genetic diseases. Identifiers: MedGen C0950123, MeSH D030342.

Allele frequency attached by ClinVar (database versions not stated): gnomAD exomes 0.00001 and below 0.00001.
gnomAD v4.1: 3 of 1,612,834 alleles (0.00019%); highest among the groups gnomAD compares: Admixed American, 0.0033%; no homozygotes.

Submissions (3):

Ambry Genetics
Classification: Uncertain significance for Inborn genetic diseases. Last evaluated: 2026-08-17. Review status: criteria provided, single submitter. Criteria: Ambry Variant Classification Scheme 2023. Collection method: clinical testing. Allele origin: germline.

Labcorp Genetics (formerly Invitae), Labcorp
Classification: Likely benign for Nemaline myopathy 2. Last evaluated: 2025-12-11. Review status: criteria provided, single submitter. Criteria: Invitae Variant Classification Sherloc (09022015). Collection method: clinical testing. Allele origin: germline.

GeneDx
Classification: Uncertain significance. Last evaluated: 2022-08-22. Review status: criteria provided, single submitter. Criteria: GeneDx Variant Classification Process June 2021. Collection method: clinical testing. Allele origin: germline. Affected: yes.
Comment: Not observed at significant frequency in large population cohorts (gnomAD); In silico analysis supports that this missense variant has a deleterious effect on protein structure/function; Has not been previously published as pathogenic or benign to our knowledge

NM_001164507.2(NEB):c.21319T>C (p.Tyr7107His)

Genes: NEB (nebulin; minus strand), RIF1 (replication timing regulatory factor 1; plus strand). Cytogenetic location: 2q23.3.
Variant type: single nucleotide variant.
Coding change: c.21319T>C on transcript NM_001164507.2 (MANE Plus Clinical); coding-DNA position 21319, T replaced by C.
Protein change: p.Tyr7107His; replaces tyrosine 7107 with histidine.
Molecular consequence: missense variant. On other transcripts: intron variant (1).
Genome position (GRCh38, 1-based): chr2:151,534,313, A>G on the plus strand (T>C on the coding strand, the complement: NEB is on the minus strand). VCF-style: chr2-151534313-A-G. GRCh37 (hg19) VCF-style: chr2-152390827-A-G.
Other names: c.21319T>C, p.Tyr7107His (NM_001271208.2); c.16216T>C, p.Tyr5406His (NM_004543.5); c.21313-767T>C (NM_001164508.2); c.16216T>C (NM_004543.4); short protein forms Y5406H, Y7107H.
Identifiers: ClinVar variation 1305401 (VCV001305401.8), dbSNP rs1200802961, ClinGen allele CA348772538.